The following is an entry in ClinVar:

ClinVar aggregate classification (germline): Uncertain significance. Review status: criteria provided, multiple submitters, no conflicts (2 of 4 stars). 2 submissions from 2 submitters: Uncertain significance (2). Last evaluated 2023-10-02.

Conditions:
Inborn genetic diseases. Identifiers: MedGen C0950123, MeSH D030342.

Allele frequency attached by ClinVar (database versions not stated): gnomAD exomes below 0.00001; gnomAD 0.00002; TOPMed 0.00004.
gnomAD v4.1: 5 of 1,613,880 alleles (0.00031%); highest among the groups gnomAD compares: African/African-American, 0.0067%; no homozygotes.

Submissions (2):

Ambry Genetics
Classification: Uncertain significance for Inborn genetic diseases. Last evaluated: 2023-10-02. Review status: criteria provided, single submitter. Criteria: Ambry Variant Classification Scheme 2023. Collection method: clinical testing. Allele origin: germline.

Labcorp Genetics (formerly Invitae), Labcorp
Classification: Uncertain significance. Last evaluated: 2022-05-21. Review status: criteria provided, single submitter. Criteria: Invitae Variant Classification Sherloc (09022015). Collection method: clinical testing. Allele origin: germline.
Comment: This sequence change replaces tyrosine, which is neutral and polar, with asparagine, which is neutral and polar, at codon 465 of the CDH23 protein (p.Tyr465Asn). This variant is present in population databases (no rsID available, gnomAD 0.01%). This variant has not been reported in the literature in individuals affected with CDH23-related conditions. Algorithms developed to predict the effect of missense changes on protein structure and function are either unavailable or do not agree on the potential impact of this missense change (SIFT: "Deleterious"; PolyPhen-2: "Not Available"; Align-GVGD: "Class C65"). In summary, the available evidence is currently insufficient to determine the role of this variant in disease. Therefore, it has been classified as a Variant of Uncertain Significance.

NM_022124.6(CDH23):c.1393T>A (p.Tyr465Asn)

Gene: CDH23 (cadherin related 23; plus strand). Cytogenetic location: 10q22.1.
Variant type: single nucleotide variant.
Coding change: c.1393T>A on transcript NM_022124.6 (MANE Select); coding-DNA position 1393, T replaced by A.
Protein change: p.Tyr465Asn; replaces tyrosine 465 with asparagine.
Molecular consequence: missense variant.
Genome position (GRCh38, 1-based): chr10:71,646,561, T>A. VCF-style: chr10-71646561-T-A. GRCh37 (hg19) VCF-style: chr10-73406318-T-A.
Other names: c.1393T>A, p.Tyr465Asn (NM_001171930.2, NM_001171931.2, NM_052836.4); c.1393T>A (NM_022124.5); short protein forms Y465N.
Identifiers: ClinVar variation 1979026 (VCV001979026.2), dbSNP rs886182930, ClinGen allele CA209443030.
Genomic context (GRCh38, chr10:71,646,561, plus strand): 5'-AAGGTGAAGATCACTCTCATCAATGAAAATGACAACCGGCCCATCTTCAGCCAGCCACTG[T>A]ACAACATCAGCCTGTACGAGAACGTCACCGTGGGGACCTCTGTGCTGACAGTCCTGGTGA-3'
Protein context (NP_071407.4, residues 455-475): DNRPIFSQPL[Tyr465Asn]NISLYENVTV